The following is an entry in ClinVar:

ClinVar aggregate classification (germline): Pathogenic (1 of 4 stars; one submission).

Conditions:
Fanconi anemia (FA). Also called: Fanconi's anemia. Identifiers: Orphanet 84, MedGen C0015625, MeSH D005199, MONDO:0019391.

Submission:

Labcorp Genetics (formerly Invitae), Labcorp
Classification: Pathogenic for Fanconi anemia. Last evaluated: 2023-10-27. Review status: criteria provided, single submitter. Criteria: Invitae Variant Classification Sherloc (09022015). Collection method: clinical testing. Allele origin: unknown.
Comment: This variant is a gross deletion of the genomic region encompassing exon(s) 1-6 of the FANCA gene, which includes the initiator codon. This deletion extends beyond the assayed region for this gene and therefore may encompass additional genes. It is expected to result in an absent or disrupted protein product. Loss-of-function variants in FANCA are known to be pathogenic (PMID: 19367192). A similar copy number variant has been observed in individuals with Fanconi anemia (PMID: 29098742). For these reasons, this variant has been classified as Pathogenic.

Literature cited by the submitters: PubMed 19367192; PubMed 29098742.

NC_000016.9:g.(?_89874682)_(90002212_?)del

Genes: FANCA (FA complementation group A; minus strand), MC1R (melanocortin 1 receptor; plus strand), SPIRE2 (spire type actin nucleation factor 2; plus strand), TCF25 (TCF25 ribosome quality control complex subunit; plus strand), TUBB3 (tubulin beta 3 class III; plus strand). Cytogenetic location: 16q24.3.
Variant type: Deletion.
Identifiers: ClinVar variation 3243238 (VCV003243238.1).